The following is an entry in ClinVar:

NM_022437.3(ABCG8):c.1244C>A (p.Pro415His)

Gene: ABCG8 (ATP binding cassette subfamily G member 8; plus strand). Cytogenetic location: 2p21.
Variant type: single nucleotide variant.
Coding change: c.1244C>A on transcript NM_022437.3 (MANE Select); coding-DNA position 1244, C replaced by A.
Protein change: p.Pro415His; replaces proline 415 with histidine.
Molecular consequence: missense variant.
Genome position (GRCh38, 1-based): chr2:43,873,819, C>A. VCF-style: chr2-43873819-C-A. GRCh37 (hg19) VCF-style: chr2-44100958-C-A.
Other names: c.1241C>A, p.Pro414His (NM_001357321.2); short protein forms P415H, P414H.
Identifiers: ClinVar variation 4737572 (VCV004737572.1).

ClinVar aggregate classification (germline): Uncertain significance (1 of 4 stars; one submission).

Submission:

Labcorp Genetics (formerly Invitae), Labcorp
Classification: Uncertain significance. Last evaluated: 2025-02-28. Review status: criteria provided, single submitter. Criteria: Invitae Variant Classification Sherloc (09022015). Collection method: clinical testing. Allele origin: germline.
Comment: This sequence change replaces proline, which is neutral and non-polar, with histidine, which is basic and polar, at codon 415 of the ABCG8 protein (p.Pro415His). This variant is not present in population databases (gnomAD no frequency). This missense change has been observed in individual(s) with clinical features of ABCG8-related conditions (PMID: 30270055). Invitae Evidence Modeling of protein sequence and biophysical properties (such as structural, functional, and spatial information, amino acid conservation, physicochemical variation, residue mobility, and thermodynamic stability) indicates that this missense variant is not expected to disrupt ABCG8 protein function with a negative predictive value of 80%. In summary, the available evidence is currently insufficient to determine the role of this variant in disease. Therefore, it has been classified as a Variant of Uncertain Significance.

Literature cited by the submitters: PubMed 30270055.